The following is an entry in ClinVar:

ClinVar aggregate classification (germline): Pathogenic (1 of 4 stars; one submission).

Conditions:
Joubert syndrome 3 (JBTS3). Also called: AHI1-related Ciliopathy. Identifiers: Orphanet 220493, MedGen C1837713, MONDO:0012078, OMIM 608629.

gnomAD v4.1: 1 of 1,613,830 alleles (0.000062%); highest among the groups gnomAD compares: Non-Finnish European, 0.000085%; no homozygotes.

Submission:

Myriad Genetics, Inc.
Classification: Pathogenic for Joubert syndrome 3. Last evaluated: 2026-08-29. Review status: criteria provided, single submitter. Criteria: Myriad Autosomal Dominant, Autosomal Recessive and X-Linked Classification Criteria (2023). Collection method: clinical testing. Allele origin: unknown.
Comment: NM_001134831.1(AHI1):c.403C>T(Q135*) is expected to be pathogenic in the context of Joubert syndrome, AHI1-related. This variant is predicted to lead to an abnormal or absent protein product due to the creation of a premature termination codon in AHI1, a gene where loss-of-function variants are known to be pathogenic. Please note: this variant was assessed in the context of healthy population screening.

NM_001134831.2(AHI1):c.403C>T (p.Gln135Ter)

Gene: AHI1 (Abelson helper integration site 1; minus strand). Cytogenetic location: 6q23.3.
Variant type: single nucleotide variant.
Coding change: c.403C>T on transcript NM_001134831.2 (MANE Select); coding-DNA position 403, C replaced by T.
Protein change: p.Gln135Ter; replaces glutamine 135 with a stop codon.
Molecular consequence: nonsense.
Genome position (GRCh38, 1-based): chr6:135,466,160, G>A on the plus strand (C>T on the coding strand, the complement: AHI1 is on the minus strand). VCF-style: chr6-135466160-G-A. GRCh37 (hg19) VCF-style: chr6-135787298-G-A.
Other names: c.403C>T, p.Gln135Ter (NM_001134830.2, NM_001134832.2, NM_001350503.2 and 2 more transcripts); short protein forms Q135*.
Identifiers: ClinVar variation 5016293 (VCV005016293.1).
Genomic context (GRCh38, chr6:135,466,160, plus strand): 5'-GGTGTGTAGAATCAACCTTATTCTCAGGAGTTTCCGGTTTCAGGTCTTGTGTAGTCAACT[G>A]GGGCACCGTCTTTATCACCTTTTTATTTGGCTTTCCTTGTTTGTCTTCCTCTACACTAGC-3'